The following is an entry in ClinVar:

ClinVar aggregate classification (germline): Conflicting classifications of pathogenicity. Review status: criteria provided, conflicting classifications (1 of 4 stars). 2 submissions from 2 submitters: Likely pathogenic (1); Uncertain significance (1). Last evaluated 2026-01-08.

Submissions (2):

Dasa
Classification: Likely pathogenic. Last evaluated: 2026-01-08. Review status: criteria provided, single submitter. Criteria: DASA Assertion Criteria. Collection method: clinical testing. Allele origin: germline.
Comment: NM_004429.5(EFNB1):c.395A>G (p.Tyr132Cys) is a missense variant that results in the substitution of tyrosine with cysteine. De novo occurrence has been reported in an individual with EFNB1-related disorders. Segregation data support an association with disease in the reported family/families. Also, this variant is absent from population databases. Computational evidence supports a deleterious effect. Based on the currently available evidence, this variant is classified as likely pathogenic.

Labcorp Genetics (formerly Invitae), Labcorp
Classification: Uncertain significance. Last evaluated: 2023-01-17. Review status: criteria provided, single submitter. Criteria: Invitae Variant Classification Sherloc (09022015). Collection method: clinical testing. Allele origin: germline.
Comment: In summary, the available evidence is currently insufficient to determine the role of this variant in disease. Therefore, it has been classified as a Variant of Uncertain Significance. Advanced modeling of protein sequence and biophysical properties (such as structural, functional, and spatial information, amino acid conservation, physicochemical variation, residue mobility, and thermodynamic stability) performed at Invitae indicates that this missense variant is expected to disrupt EFNB1 protein function. This variant has not been reported in the literature in individuals affected with EFNB1-related conditions. This variant is not present in population databases (gnomAD no frequency). This sequence change replaces tyrosine, which is neutral and polar, with cysteine, which is neutral and slightly polar, at codon 132 of the EFNB1 protein (p.Tyr132Cys).

NM_004429.5(EFNB1):c.395A>G (p.Tyr132Cys)

Gene: EFNB1 (ephrin B1; plus strand). Cytogenetic location: Xq13.1.
Variant type: single nucleotide variant.
Coding change: c.395A>G on transcript NM_004429.5 (MANE Select); coding-DNA position 395, A replaced by G.
Protein change: p.Tyr132Cys; replaces tyrosine 132 with cysteine.
Molecular consequence: missense variant.
Genome position (GRCh38, 1-based): chrX:68,838,883, A>G. VCF-style: chrX-68838883-A-G. GRCh37 (hg19) VCF-style: chrX-68058726-A-G.
Other names: short protein forms Y132C.
Identifiers: ClinVar variation 2829548 (VCV002829548.5), dbSNP rs2519538393, ClinGen allele CA413437856.